The following is an entry in ClinVar:

ClinVar aggregate classification (germline): Uncertain significance. Review status: criteria provided, multiple submitters, no conflicts (2 of 4 stars). 2 submissions from 2 submitters: Uncertain significance (2). Last evaluated 2024-03-04.

Conditions:
Inborn genetic diseases. Identifiers: MedGen C0950123, MeSH D030342.
COG5-congenital disorder of glycosylation. Also called: CONGENITAL DISORDER OF GLYCOSYLATION, TYPE IIi; CDG IIi; COG5-CDG. Identifiers: Orphanet 263487, MedGen C3150876, MONDO:0013325, OMIM 613612.

Allele frequency attached by ClinVar (database versions not stated): TOPMed 0.00003; gnomAD 0.00004 and 0.00005; ESP Exome Variant Server 0.00008; gnomAD exomes 0.00015; ExAC 0.00018.
gnomAD v4.1: 139 of 1,613,520 alleles (0.0086%); highest among the groups gnomAD compares: South Asian, 0.1%; 1 homozygote.

Submissions (2):

Ambry Genetics
Classification: Uncertain significance for Inborn genetic diseases. Last evaluated: 2024-03-04. Review status: criteria provided, single submitter. Criteria: Ambry Variant Classification Scheme 2023. Collection method: clinical testing. Allele origin: germline.

Labcorp Genetics (formerly Invitae), Labcorp
Classification: Uncertain significance for COG5-congenital disorder of glycosylation. Last evaluated: 2022-08-31. Review status: criteria provided, single submitter. Criteria: Invitae Variant Classification Sherloc (09022015). Collection method: clinical testing. Allele origin: germline.
Comment: This sequence change replaces proline, which is neutral and non-polar, with leucine, which is neutral and non-polar, at codon 503 of the COG5 protein (p.Pro503Leu). This variant is present in population databases (rs143591444, gnomAD 0.08%). This variant has not been reported in the literature in individuals affected with COG5-related conditions. ClinVar contains an entry for this variant (Variation ID: 1369541). Algorithms developed to predict the effect of missense changes on protein structure and function (SIFT, PolyPhen-2, Align-GVGD) all suggest that this variant is likely to be tolerated. In summary, the available evidence is currently insufficient to determine the role of this variant in disease. Therefore, it has been classified as a Variant of Uncertain Significance.

NM_006348.5(COG5):c.1415C>T (p.Pro472Leu)

Gene: COG5 (component of oligomeric golgi complex 5; minus strand). Cytogenetic location: 7q22.3.
Variant type: single nucleotide variant.
Coding change: c.1415C>T on transcript NM_006348.5 (MANE Select); coding-DNA position 1415, C replaced by T.
Protein change: p.Pro472Leu; replaces proline 472 with leucine.
Molecular consequence: missense variant. On other transcripts: intron variant (1).
Genome position (GRCh38, 1-based): chr7:107,283,631, G>A on the plus strand (C>T on the coding strand, the complement: COG5 is on the minus strand). VCF-style: chr7-107283631-G-A. GRCh37 (hg19) VCF-style: chr7-106924076-G-A.
Other names: c.1415C>T, p.Pro472Leu (NM_001161520.2, NM_001379512.1, NM_001379513.1 and 2 more transcripts); c.845C>T, p.Pro282Leu (NM_001379515.1); c.701C>T, p.Pro234Leu (NM_001379516.1); c.1314-2232C>T (NM_001379511.1); c.1508C>T (NM_006348.3); short protein forms P234L, P472L, P282L.
Identifiers: ClinVar variation 1369541 (VCV001369541.4), dbSNP rs143591444, ClinGen allele CA4430921.
Genomic context (GRCh38, chr7:107,283,631, plus strand): 5'-CTTGCTATAGTTTTAATAATACCATCAAGTTCATCAGAGGAAGGAGGATTACGACCACCC[G>A]GGGGAAAAACCAAGTTGATAGGATCGAAGAGTCGAGATAAGGATTTTGATAGATAAGCAG-3'
Protein context (NP_006339.4, residues 462-482): LFDPINLVFP[Pro472Leu]GGRNPPSSDE